The following is an entry in ClinVar:

NM_000038.6(APC):c.1972G>A (p.Glu658Lys)

Gene: APC (APC regulator of Wnt signaling pathway; plus strand). Cytogenetic location: 5q22.2.
Variant type: single nucleotide variant.
Coding change: c.1972G>A on transcript NM_000038.6 (MANE Select); coding-DNA position 1972, G replaced by A.
Protein change: p.Glu658Lys; replaces glutamic acid 658 with lysine.
Molecular consequence: missense variant.
Genome position (GRCh38, 1-based): chr5:112,837,566, G>A. VCF-style: chr5-112837566-G-A. GRCh37 (hg19) VCF-style: chr5-112173263-G-A.
Other names: c.1972G>A, p.Glu658Lys (NM_001127510.3, NM_001354895.2, NM_001407450.1); c.1918G>A, p.Glu640Lys (NM_001127511.3); c.2026G>A, p.Glu676Lys (NM_001354896.2, NM_001407447.1, NM_001407448.1 and 1 more transcripts); c.2002G>A, p.Glu668Lys (NM_001354897.2); c.1897G>A, p.Glu633Lys (NM_001354898.2); c.1888G>A, p.Glu630Lys (NM_001354899.2); c.1849G>A, p.Glu617Lys (NM_001354900.2); c.1795G>A, p.Glu599Lys (NM_001354901.2, NM_001407453.1); and 11 more; short protein forms E274K, E575K, E640K, E529K, E567K, E633K, E651K, E676K.
Identifiers: ClinVar variation 1783647 (VCV001783647.3), dbSNP rs758972184, ClinGen allele CA030526.

ClinVar aggregate classification (germline): Uncertain significance. Review status: criteria provided, multiple submitters, no conflicts (2 of 4 stars). 2 submissions from 2 submitters: Uncertain significance (2). Last evaluated 2024-03-07.

Conditions:
Hereditary cancer-predisposing syndrome. Also called: Neoplastic Syndromes, Hereditary; Tumor predisposition; Hereditary Cancer Syndrome; Hereditary neoplastic syndrome. Identifiers: Orphanet 140162, MedGen C0027672, MeSH D009386, MONDO:0015356.

Allele frequency attached by ClinVar (database versions not stated): ExAC 0.00001; gnomAD 0.00001.
gnomAD v4.1: 3 of 1,612,584 alleles (0.00019%); highest among the groups gnomAD compares: Non-Finnish European, 0.00025%; no homozygotes.

Submissions (2):

Color Diagnostics, LLC DBA Color Health
Classification: Uncertain significance for Hereditary cancer-predisposing syndrome. Last evaluated: 2024-03-07. Review status: criteria provided, single submitter. Criteria: ACMG Guidelines, 2015. Collection method: clinical testing. Allele origin: germline.
Comment: This missense variant replaces glutamic acid with lysine at codon 658 of the APC protein. Computational prediction suggests that this variant may not impact protein structure and function. To our knowledge, functional studies have not been reported for this variant. This variant has not been reported in individuals affected with APC-related disorders in the literature. This variant has been identified in 1/250718 chromosomes in the general population by the Genome Aggregation Database (gnomAD). The available evidence is insufficient to determine the role of this variant in disease conclusively. Therefore, this variant is classified as a Variant of Uncertain Significance.

Ambry Genetics
Classification: Uncertain significance for Hereditary cancer-predisposing syndrome. Last evaluated: 2022-09-29. Review status: criteria provided, single submitter. Criteria: Ambry Variant Classification Scheme 2023. Collection method: clinical testing. Allele origin: germline.
Comment: The p.E658K variant (also known as c.1972G>A), located in coding exon 15 of the APC gene, results from a G to A substitution at nucleotide position 1972. The glutamic acid at codon 658 is replaced by lysine, an amino acid with similar properties. This amino acid position is well conserved in available vertebrate species. In addition, in silico predictors for this gene do not accurately predict pathogenicity. Since supporting evidence is limited at this time, the clinical significance of this alteration remains unclear.